The following is an entry in ClinVar:

ClinVar aggregate classification (germline): Likely pathogenic (1 of 4 stars; one submission).

Conditions:
Cardiovascular phenotype. Identifiers: MedGen CN230736.

Submission:

Ambry Genetics
Classification: Likely pathogenic for Cardiovascular phenotype. Last evaluated: 2026-01-28. Review status: criteria provided, single submitter. Criteria: Ambry Variant Classification Scheme 2023. Collection method: clinical testing. Allele origin: germline.
Comment: The p.E16615* variant (also known as c.49843G>T), located in coding exon 153 of the TTN gene, results from a G to T substitution at nucleotide position 49843. This changes the amino acid from a glutamic acid to a stop codon within coding exon 153. This exon is located in the A-band region of the N2-B isoform of the titin protein and is constitutively expressed in TTN transcripts (percent spliced in or PSI 100%). This variant is expected to result in loss of function by premature protein truncation or nonsense-mediated mRNA decay. While truncating variants in TTN are present in 1-3% of the general population, truncating variants in the A-band are the most common cause of dilated cardiomyopathy (Herman DS et al. N. Engl. J. Med., 2012 Feb;366:619-28; Roberts AM et al. Sci Transl Med, 2015 Jan;7:270ra6). TTN truncating variants encoded in constitutive exons (PSI >90%) have been found to be significantly associated with DCM regardless of their position in titin (Schafer S et al. Nat. Genet., 2017 01;49:46-53; Akhtar MM et al. Circ Heart Fail, 2020 Oct;13:e006832; Massier M et al. Clin Genet, 2025 Jan). This variant is considered to be rare based on population cohorts in the Genome Aggregation Database (gnomAD). Based on the majority of available evidence to date, this variant is likely to be pathogenic.

NM_001267550.2(TTN):c.77038G>T (p.Glu25680Ter)

Genes: TTN (titin; minus strand), TTN-AS1 (TTN antisense RNA 1; plus strand). Cytogenetic location: 2q31.2.
Variant type: single nucleotide variant.
Coding change: c.77038G>T on transcript NM_001267550.2 (MANE Select); coding-DNA position 77038, G replaced by T.
Protein change: p.Glu25680Ter; replaces glutamic acid 25680 with a stop codon.
Molecular consequence: nonsense.
Genome position (GRCh38, 1-based): chr2:178,569,094, C>A on the plus strand (G>T on the coding strand, the complement: TTN is on the minus strand). VCF-style: chr2-178569094-C-A. GRCh37 (hg19) VCF-style: chr2-179433821-C-A.
Other names: c.72115G>T, p.Glu24039Ter (NM_001256850.1); c.49843G>T, p.Glu16615Ter (NM_003319.4); c.69334G>T, p.Glu23112Ter (NM_133378.4); c.50218G>T, p.Glu16740Ter (NM_133432.3); c.50419G>T, p.Glu16807Ter (NM_133437.4); short protein forms E23112*, E24039*, E16615*, E16740*, E25680*, E16807*.
Identifiers: ClinVar variation 4824726 (VCV004824726.1).